The following is an entry in ClinVar:

ClinVar aggregate classification (germline): Uncertain significance (1 of 4 stars; one submission).

Conditions:
Perlman syndrome (PRLMNS). Identifiers: Orphanet 2849, MedGen C0796113, MONDO:0009965, OMIM 267000.

Submission:

Labcorp Genetics (formerly Invitae), Labcorp
Classification: Uncertain significance for Perlman syndrome. Last evaluated: 2021-12-15. Review status: criteria provided, single submitter. Criteria: Invitae Variant Classification Sherloc (09022015). Collection method: clinical testing. Allele origin: germline.
Comment: In summary, the available evidence is currently insufficient to determine the role of this variant in disease. Therefore, it has been classified as a Variant of Uncertain Significance. Algorithms developed to predict the effect of missense changes on protein structure and function are either unavailable or do not agree on the potential impact of this missense change (SIFT: "Deleterious"; PolyPhen-2: "Probably Damaging"; Align-GVGD: "Class C0"). This variant has not been reported in the literature in individuals affected with DIS3L2-related conditions. This variant is not present in population databases (gnomAD no frequency). This sequence change replaces glycine, which is neutral and non-polar, with cysteine, which is neutral and slightly polar, at codon 790 of the DIS3L2 protein (p.Gly790Cys).

NM_152383.5(DIS3L2):c.2368G>T (p.Gly790Cys)

Gene: DIS3L2 (DIS3 like 3'-5' exoribonuclease 2; plus strand). Cytogenetic location: 2q37.1.
Variant type: single nucleotide variant.
Coding change: c.2368G>T on transcript NM_152383.5 (MANE Select); coding-DNA position 2368, G replaced by T.
Protein change: p.Gly790Cys; replaces glycine 790 with cysteine.
Molecular consequence: missense variant. On other transcripts: non-coding transcript variant (2), intron variant (1).
Genome position (GRCh38, 1-based): chr2:232,334,709, G>T. VCF-style: chr2-232334709-G-T. GRCh37 (hg19) VCF-style: chr2-233199419-G-T.
Other names: c.1582-8636G>T (NM_001257281.2); short protein forms G790C.
Identifiers: ClinVar variation 2043578 (VCV002043578.4), dbSNP rs367835194, ClinGen allele CA350978065.